The following is an entry in ClinVar:

ClinVar aggregate classification (germline): Uncertain significance. Review status: criteria provided, multiple submitters, no conflicts (2 of 4 stars). 2 submissions from 2 submitters: Uncertain significance (2). Last evaluated 2025-09-23.

Conditions:
Hereditary nonpolyposis colorectal neoplasms. Identifiers: MedGen C0009405, MeSH D003123.
Hereditary cancer-predisposing syndrome. Also called: Neoplastic Syndromes, Hereditary; Tumor predisposition; Hereditary neoplastic syndrome; Hereditary Cancer Syndrome. Identifiers: Orphanet 140162, MedGen C0027672, MeSH D009386, MONDO:0015356.

Allele frequency attached by ClinVar (database versions not stated): gnomAD exomes below 0.00001.
gnomAD v4.1: 1 of 1,608,918 alleles (0.000062%); highest among the groups gnomAD compares: Non-Finnish European, 0.000085%; no homozygotes.

Submissions (2):

Ambry Genetics
Classification: Uncertain significance for Hereditary cancer-predisposing syndrome. Last evaluated: 2025-09-23. Review status: criteria provided, single submitter. Criteria: Ambry Variant Classification Scheme 2023. Collection method: clinical testing. Allele origin: germline.
Comment: The p.S1340R variant (also known as c.4020T>G), located in coding exon 10 of the MSH6 gene, results from a T to G substitution at nucleotide position 4020. The serine at codon 1340 is replaced by arginine, an amino acid with dissimilar properties. This amino acid position is not well conserved in available vertebrate species. In addition, the in silico prediction for this alteration is inconclusive. Since supporting evidence is limited at this time, the clinical significance of this alteration remains unclear.

Labcorp Genetics (formerly Invitae), Labcorp
Classification: Uncertain significance for Hereditary nonpolyposis colorectal neoplasms. Last evaluated: 2023-11-04. Review status: criteria provided, single submitter. Criteria: Invitae Variant Classification Sherloc (09022015). Collection method: clinical testing. Allele origin: germline.
Comment: This sequence change replaces serine, which is neutral and polar, with arginine, which is basic and polar, at codon 1340 of the MSH6 protein (p.Ser1340Arg). This variant is not present in population databases (gnomAD no frequency). This variant has not been reported in the literature in individuals affected with MSH6-related conditions. ClinVar contains an entry for this variant (Variation ID: 568758). Advanced modeling of protein sequence and biophysical properties (such as structural, functional, and spatial information, amino acid conservation, physicochemical variation, residue mobility, and thermodynamic stability) performed at Invitae indicates that this missense variant is not expected to disrupt MSH6 protein function with a negative predictive value of 95%. In summary, the available evidence is currently insufficient to determine the role of this variant in disease. Therefore, it has been classified as a Variant of Uncertain Significance.

NM_000179.3(MSH6):c.4020T>G (p.Ser1340Arg)

Gene: MSH6 (mutS homolog 6; plus strand). Cytogenetic location: 2p16.3.
Variant type: single nucleotide variant.
Coding change: c.4020T>G on transcript NM_000179.3 (MANE Select); coding-DNA position 4020, T replaced by G.
Protein change: p.Ser1340Arg; replaces serine 1340 with arginine.
Molecular consequence: missense variant.
Genome position (GRCh38, 1-based): chr2:47,806,797, T>G. VCF-style: chr2-47806797-T-G. GRCh37 (hg19) VCF-style: chr2-48033936-T-G.
Other names: c.3630T>G, p.Ser1210Arg (NM_001281492.2); c.3114T>G, p.Ser1038Arg (NM_001281493.2, NM_001281494.2); short protein forms S1340R, S1038R, S1210R.
Identifiers: ClinVar variation 568758 (VCV000568758.13), dbSNP rs1558395612, ClinGen allele CA346761657.